The following is an entry in ClinVar:

ClinVar aggregate classification (germline): Benign (0 of 4 stars; one submission).

Conditions:
MUC16-related disorder. Also called: MUC16-related condition.

Allele frequency attached by ClinVar (database versions not stated): 1000 Genomes Project 0.24820; 1000 Genomes Project 30x 0.24922; TOPMed 0.26160; ESP Exome Variant Server 0.26282; ExAC 0.26284; gnomAD exomes 0.29270.

Submission:

PreventionGenetics, part of Exact Sciences
Classification: Benign for MUC16-related condition. Last evaluated: 2019-10-22. Review status: no assertion criteria provided. Collection method: clinical testing. Allele origin: germline.
Comment: This variant is classified as benign based on ACMG/AMP sequence variant interpretation guidelines (Richards et al. 2015 PMID: 25741868, with internal and published modifications).

NM_001401501.2(MUC16):c.10637A>C (p.Lys3546Thr)

Gene: MUC16 (mucin 16, cell surface associated; minus strand). Cytogenetic location: 19p13.2.
Variant type: single nucleotide variant.
Coding change: c.10637A>C on transcript NM_001401501.2 (MANE Select); coding-DNA position 10637, A replaced by C.
Protein change: p.Lys3546Thr; replaces lysine 3546 with threonine.
Molecular consequence: missense variant.
Genome position (GRCh38, 1-based): chr19:8,966,253, T>G on the plus strand (A>C on the coding strand, the complement: MUC16 is on the minus strand). VCF-style: chr19-8966253-T-G. GRCh37 (hg19) VCF-style: chr19-9076929-T-G.
Other names: c.11063A>C, p.Lys3688Thr (NM_001414686.1); c.10517A>C, p.Lys3506Thr (NM_001414687.1, NM_024690.2); short protein forms K3506T, K3546T, K3688T.
Identifiers: ClinVar variation 3059154 (VCV003059154.2), dbSNP rs2547075, ClinGen allele CA9171448.